The following is an entry in ClinVar:

ClinVar aggregate classification (germline): Likely benign. Review status: criteria provided, multiple submitters, no conflicts (2 of 4 stars). 3 submissions from 3 submitters: Likely benign (2). 1 of the submissions does not count toward it. Last evaluated 2026-09-01.

Conditions:
B9D1-related disorder. Also called: B9D1-related disorders; B9D1-related condition.

Allele frequency attached by ClinVar (database versions not stated): 1000 Genomes Project 0.00280; 1000 Genomes Project 30x 0.00390; gnomAD exomes 0.00051; gnomAD 0.00233; TOPMed 0.00294.
gnomAD v4.1: 945 of 1,231,900 alleles (0.077%); highest among the groups gnomAD compares: Admixed American, 1.3%; 4 homozygotes.

Submissions (3):

CeGaT Center for Human Genetics Tuebingen
Classification: Likely benign. Last evaluated: 2026-09-01. Review status: criteria provided, single submitter. Criteria: CeGaT Center For Human Genetics Tuebingen Variant Classification Criteria Version 2. Collection method: clinical testing. Allele origin: germline. Affected: yes. Observed: 9 variant alleles.
Comment: B9D1: BS1

Blueprint Genetics
Classification: Likely benign. Last evaluated: 2024-11-26. Review status: criteria provided, single submitter. Criteria: ACMG Guidelines, 2015. Collection method: clinical testing. Allele origin: germline.

PreventionGenetics, part of Exact Sciences
Classification: Benign for B9D1-related condition. Last evaluated: 2019-07-02. Review status: no assertion criteria provided. Collection method: clinical testing. Allele origin: germline. Not counted in ClinVar's aggregate classification.
Comment: This variant is classified as benign based on ACMG/AMP sequence variant interpretation guidelines (Richards et al. 2015 PMID: 25741868, with internal and published modifications).

NM_001321217.2(B9D1):c.530C>T (p.Ala177Val)

Gene: B9D1 (B9 domain containing 1; minus strand). Cytogenetic location: 17p11.2.
Variant type: single nucleotide variant.
Coding change: c.530C>T on transcript NM_001321217.2; coding-DNA position 530, C replaced by T.
Protein change: p.Ala177Val; replaces alanine 177 with valine.
Molecular consequence: missense variant. On other transcripts: 3 prime UTR variant (1), intron variant (3).
Genome position (GRCh38, 1-based): chr17:19,341,269, G>A on the plus strand (C>T on the coding strand, the complement: B9D1 is on the minus strand). VCF-style: chr17-19341269-G-A. GRCh37 (hg19) VCF-style: chr17-19244582-G-A.
Other names: c.*2441C>T (NM_001321215.3); c.112+2521C>T (NM_001368769.2); c.405-3521C>T (NM_001321219.2); c.472+2521C>T (NM_001321218.2); short protein forms A177V.
Identifiers: ClinVar variation 3024937 (VCV003024937.22), dbSNP rs190584073, ClinGen allele CA8440042.